The following is an entry in ClinVar:

ClinVar aggregate classification (germline): Uncertain significance. Review status: criteria provided, single submitter (1 of 4 stars). 2 submissions from 2 submitters: Uncertain significance (1). 1 of the submissions does not count toward it. Last evaluated 2022-08-16.

Conditions:
Walker-Warburg congenital muscular dystrophy. Also called: Muscular dystrophy-dystroglycanopathy, type A; Walker-Warburg syndrome. Identifiers: Orphanet 899, MedGen C0265221, MONDO:0000171.
Autosomal recessive limb-girdle muscular dystrophy type 2I. Also called: MUSCULAR DYSTROPHY-DYSTROGLYCANOPATHY, LIMB-GIRDLE, FRKP-RELATED; MUSCULAR DYSTROPHY, LIMB-GIRDLE, TYPE 2I; MUSCULAR DYSTROPHY-DYSTROGLYCANOPATHY (LIMB-GIRDLE), TYPE C, 5. Identifiers: Orphanet 34515, MedGen C1846672, MONDO:0011787, OMIM 607155.

Allele frequency attached by ClinVar (database versions not stated): gnomAD exomes below 0.00001; TOPMed below 0.00001.

Submissions (2):

Labcorp Genetics (formerly Invitae), Labcorp
Classification: Uncertain significance for Walker-Warburg congenital muscular dystrophy. Last evaluated: 2022-08-16. Review status: criteria provided, single submitter. Criteria: Invitae Variant Classification Sherloc (09022015). Collection method: clinical testing. Allele origin: germline.
Comment: This sequence change replaces alanine, which is neutral and non-polar, with valine, which is neutral and non-polar, at codon 82 of the FKRP protein (p.Ala82Val). The frequency data for this variant in the population databases is considered unreliable, as metrics indicate poor data quality at this position in the gnomAD database. This variant has not been reported in the literature in individuals affected with FKRP-related conditions. ClinVar contains an entry for this variant (Variation ID: 1005981). Algorithms developed to predict the effect of missense changes on protein structure and function output the following: SIFT: "Tolerated"; PolyPhen-2: "Benign"; Align-GVGD: "Class C0". The valine amino acid residue is found in multiple mammalian species, which suggests that this missense change does not adversely affect protein function. In summary, the available evidence is currently insufficient to determine the role of this variant in disease. Therefore, it has been classified as a Variant of Uncertain Significance.

Natera, Inc.
Classification: Uncertain significance for Limb-girdle muscular dystrophy type 2I. Last evaluated: 2025-04-14. Review status: no assertion criteria provided. Collection method: clinical testing. Allele origin: germline. Not counted in ClinVar's aggregate classification.

NM_024301.5(FKRP):c.245C>T (p.Ala82Val)

Gene: FKRP (fukutin related protein; plus strand). Cytogenetic location: 19q13.32.
Variant type: single nucleotide variant.
Coding change: c.245C>T on transcript NM_024301.5 (MANE Select); coding-DNA position 245, C replaced by T.
Protein change: p.Ala82Val; replaces alanine 82 with valine.
Molecular consequence: missense variant.
Genome position (GRCh38, 1-based): chr19:46,755,695, C>T. VCF-style: chr19-46755695-C-T. GRCh37 (hg19) VCF-style: chr19-47258952-C-T.
Other names: c.245C>T (NM_024301.4); c.245C>T, p.Ala82Val (NM_001039885.3); short protein forms A82V.
Identifiers: ClinVar variation 1005981 (VCV001005981.7), dbSNP rs966960260, ClinGen allele CA309099233.